The following is an entry in ClinVar:

ClinVar aggregate classification (germline): Uncertain significance (1 of 4 stars; one submission).

Submission:

GeneDx
Classification: Uncertain significance. Last evaluated: 2026-02-01. Review status: criteria provided, single submitter. Criteria: GeneDx Variant Classification Process June 2021. Collection method: clinical testing. Allele origin: germline.
Comment: Not observed at significant frequency in large population cohorts (gnomAD); Nonsense variant predicted to result in protein truncation as the last 17 amino acid(s) are lost with an unclear effect on protein function; Has not been previously published as pathogenic or benign to our knowledge

NM_148919.4(PSMB8):c.778G>T (p.Glu260Ter)

Gene: PSMB8 (proteasome 20S subunit beta 8; minus strand). Cytogenetic location: 6p21.32.
Variant type: single nucleotide variant.
Coding change: c.778G>T on transcript NM_148919.4 (MANE Select); coding-DNA position 778, G replaced by T.
Protein change: p.Glu260Ter; replaces glutamic acid 260 with a stop codon.
Molecular consequence: nonsense.
Genome position (GRCh38, 1-based): chr6:32,841,012, C>A on the plus strand (G>T on the coding strand, the complement: PSMB8 is on the minus strand). VCF-style: chr6-32841012-C-A. GRCh37 (hg19) VCF-style: chr6-32808789-C-A.
Other names: c.766G>T, p.Glu256Ter (NM_004159.5); short protein forms E256*, E260*.
Identifiers: ClinVar variation 4976017 (VCV004976017.1).